The following is an entry in ClinVar:

ClinVar aggregate classification (germline): Uncertain significance (1 of 4 stars; one submission).

gnomAD v4.1: 20 of 1,599,630 alleles (0.0013%); highest among the groups gnomAD compares: East Asian, 0.0022%; no homozygotes.

Submission:

GeneDx
Classification: Uncertain significance. Last evaluated: 2024-06-18. Review status: criteria provided, single submitter. Criteria: GeneDx Variant Classification Process June 2021. Collection method: clinical testing. Allele origin: germline. Affected: yes.
Comment: In silico analysis supports that this missense variant has a deleterious effect on protein structure/function; Has not been previously published as pathogenic or benign to our knowledge

NM_004046.6(ATP5F1A):c.1469C>T (p.Ala490Val)

Gene: ATP5F1A (ATP synthase F1 subunit alpha; minus strand). Cytogenetic location: 18q21.1.
Variant type: single nucleotide variant.
Coding change: c.1469C>T on transcript NM_004046.6 (MANE Select); coding-DNA position 1469, C replaced by T.
Protein change: p.Ala490Val; replaces alanine 490 with valine.
Molecular consequence: missense variant.
Genome position (GRCh38, 1-based): chr18:46,084,615, G>A on the plus strand (C>T on the coding strand, the complement: ATP5F1A is on the minus strand). VCF-style: chr18-46084615-G-A. GRCh37 (hg19) VCF-style: chr18-43664581-G-A.
Other names: c.1319C>T, p.Ala440Val (NM_001001935.3, NM_001257335.2); c.1469C>T, p.Ala490Val (NM_001001937.2); c.1403C>T, p.Ala468Val (NM_001257334.2); short protein forms A440V, A468V, A490V.
Identifiers: ClinVar variation 3391476 (VCV003391476.1).